The following is an entry in ClinVar:

NM_015294.6(TRIM37):c.2705G>C (p.Ser902Thr)

Genes: TRIM37 (tripartite motif containing 37; minus strand), LOC126862606 (CDK7 strongly-dependent group 2 enhancer GRCh37_chr17:57078614-57079813; plus strand). Cytogenetic location: 17q22.
Variant type: single nucleotide variant.
Coding change: c.2705G>C on transcript NM_015294.6 (MANE Select); coding-DNA position 2705, G replaced by C.
Protein change: p.Ser902Thr; replaces serine 902 with threonine.
Molecular consequence: missense variant. On other transcripts: non-coding transcript variant (2), intron variant (3).
Genome position (GRCh38, 1-based): chr17:59,001,705, C>G on the plus strand (G>C on the coding strand, the complement: TRIM37 is on the minus strand). VCF-style: chr17-59001705-C-G. GRCh37 (hg19) VCF-style: chr17-57079066-C-G.
Other names: c.2705G>C, p.Ser902Thr (NM_001005207.5); c.2603G>C, p.Ser868Thr (NM_001320987.3); c.2630G>C, p.Ser877Thr (NM_001353082.2); c.1970G>C, p.Ser657Thr (NM_001353083.2); c.2732G>C, p.Ser911Thr (NM_001353084.2); c.2243G>C, p.Ser748Thr (NM_001353085.2); c.2654G>C, p.Ser885Thr (NM_001353086.2); c.2696-2246G>C (NM_001320989.3, NM_001320988.3); and 2 more; short protein forms S877T, S748T, S902T, S911T, S657T, S868T, S885T.
Identifiers: ClinVar variation 2185820 (VCV002185820.2), dbSNP rs774677229, ClinGen allele CA8677959.

ClinVar aggregate classification (germline): Uncertain significance. Review status: criteria provided, multiple submitters, no conflicts (2 of 4 stars). 2 submissions from 2 submitters: Uncertain significance (2). Last evaluated 2025-03-10.

Conditions:
Inborn genetic diseases. Identifiers: MedGen C0950123, MeSH D030342.

Allele frequency attached by ClinVar (database versions not stated): ExAC 0.00001; gnomAD 0.00001; gnomAD exomes 0.00001; TOPMed 0.00001.
gnomAD v4.1: 15 of 1,613,914 alleles (0.00093%); highest among the groups gnomAD compares: African/African-American, 0.0013%; no homozygotes.

Submissions (2):

Ambry Genetics
Classification: Uncertain significance for Inborn genetic diseases. Last evaluated: 2025-03-10. Review status: criteria provided, single submitter. Criteria: Ambry Variant Classification Scheme 2023. Collection method: clinical testing. Allele origin: germline.

Labcorp Genetics (formerly Invitae), Labcorp
Classification: Uncertain significance. Last evaluated: 2022-06-08. Review status: criteria provided, single submitter. Criteria: Invitae Variant Classification Sherloc (09022015). Collection method: clinical testing. Allele origin: germline.
Comment: This sequence change replaces serine, which is neutral and polar, with threonine, which is neutral and polar, at codon 902 of the TRIM37 protein (p.Ser902Thr). This variant is present in population databases (rs774677229, gnomAD 0.004%). This variant has not been reported in the literature in individuals affected with TRIM37-related conditions. Algorithms developed to predict the effect of missense changes on protein structure and function are either unavailable or do not agree on the potential impact of this missense change (SIFT: "Not Available"; PolyPhen-2: "Probably Damaging"; Align-GVGD: "Not Available"). In summary, the available evidence is currently insufficient to determine the role of this variant in disease. Therefore, it has been classified as a Variant of Uncertain Significance.